The following is an entry in ClinVar:

NM_001127208.3(TET2):c.1354G>A (p.Glu452Lys)

Genes: TET2 (tet methylcytosine dioxygenase 2; plus strand), TET2-AS1 (TET2 antisense RNA 1; minus strand). Cytogenetic location: 4q24.
Variant type: single nucleotide variant.
Coding change: c.1354G>A on transcript NM_001127208.3 (MANE Select); coding-DNA position 1354, G replaced by A.
Protein change: p.Glu452Lys; replaces glutamic acid 452 with lysine.
Molecular consequence: missense variant.
Genome position (GRCh38, 1-based): chr4:105,235,296, G>A. VCF-style: chr4-105235296-G-A. GRCh37 (hg19) VCF-style: chr4-106156453-G-A.
Other names: c.1354G>A, p.Glu452Lys (NM_017628.4); short protein forms E452K.
Identifiers: ClinVar variation 4843486 (VCV004843486.1).
Genomic context (GRCh38, chr4:105,235,296, plus strand): 5'-GAAGAACACCACCACTACCCCAACCAAAGTAACACAACACTTTTAAGGGAAGTGAAAATA[G>A]AGGGTAAACCTGAGGCACCACCTTCCCAGAGTCCTAATCCATCTACACATGTATGCAGCC-3'
Protein context (NP_001120680.1, residues 442-462): NTTLLREVKI[Glu452Lys]GKPEAPPSQS

ClinVar aggregate classification (germline): Uncertain significance (1 of 4 stars; one submission).

Submission:

Ambry Genetics
Classification: Uncertain significance. Last evaluated: 2025-12-21. Review status: criteria provided, single submitter. Criteria: Ambry Variant Classification Scheme 2023. Collection method: clinical testing. Allele origin: germline.
Comment: The p.E452K variant (also known as c.1354G>A), located in coding exon 1 of the TET2 gene, results from a G to A substitution at nucleotide position 1354. The glutamic acid at codon 452 is replaced by lysine, an amino acid with similar properties. This amino acid position is conserved. In addition, this alteration is predicted to be tolerated by in silico analysis. Based on the available evidence, the clinical significance of this variant remains unclear.